The following is an entry in ClinVar:

ClinVar aggregate classification (germline): Likely benign (0 of 4 stars; one submission).

Conditions:
RNASEL-related disorder. Also called: RNASEL-related condition.

Allele frequency attached by ClinVar (database versions not stated): gnomAD exomes 0.00012; ExAC 0.00043; gnomAD 0.00137; 1000 Genomes Project 0.00160; TOPMed 0.00163; 1000 Genomes Project 30x 0.00172; ESP Exome Variant Server 0.00185.
gnomAD v4.1: 379 of 1,614,172 alleles (0.023%); highest among the groups gnomAD compares: African/African-American, 0.41%; no homozygotes.

Submission:

PreventionGenetics, part of Exact Sciences
Classification: Likely benign for RNASEL-related condition. Last evaluated: 2019-08-09. Review status: no assertion criteria provided. Collection method: clinical testing. Allele origin: germline.
Comment: This variant is classified as likely benign based on ACMG/AMP sequence variant interpretation guidelines (Richards et al. 2015 PMID: 25741868, with internal and published modifications).

NM_021133.4(RNASEL):c.880A>G (p.Lys294Glu)

Gene: RNASEL (ribonuclease L; minus strand). Cytogenetic location: 1q25.3.
Variant type: single nucleotide variant.
Coding change: c.880A>G on transcript NM_021133.4 (MANE Select); coding-DNA position 880, A replaced by G.
Protein change: p.Lys294Glu; replaces lysine 294 with glutamic acid.
Molecular consequence: missense variant.
Genome position (GRCh38, 1-based): chr1:182,585,927, T>C on the plus strand (A>G on the coding strand, the complement: RNASEL is on the minus strand). VCF-style: chr1-182585927-T-C. GRCh37 (hg19) VCF-style: chr1-182555062-T-C.
Other names: short protein forms K294E.
Identifiers: ClinVar variation 3050448 (VCV003050448.2), dbSNP rs143544690, ClinGen allele CA1278197.